The following is an entry in ClinVar:

ClinVar aggregate classification (germline): Conflicting classifications of pathogenicity. Review status: criteria provided, conflicting classifications (1 of 4 stars). 2 submissions from 2 submitters: Uncertain significance (1); Benign (1). Last evaluated 2024-08-20.

Conditions:
Multiple endocrine neoplasia type 4. Also called: MULTIPLE ENDOCRINE NEOPLASIA, TYPE IV. Identifiers: Orphanet 276152, MedGen C1970712, MONDO:0012552, OMIM 610755.

Allele frequency attached by ClinVar (database versions not stated): gnomAD 0.00009 and 0.00010; gnomAD exomes 0.00014 and 0.00032; ESP Exome Variant Server 0.00016; 1000 Genomes Project 30x 0.00016; 1000 Genomes Project 0.00020; ExAC 0.00006; TOPMed 0.00011.

Submissions (2):

GeneDx
Classification: Uncertain significance. Last evaluated: 2024-08-20. Review status: criteria provided, single submitter. Criteria: GeneDx Variant Classification Process June 2021. Collection method: clinical testing. Allele origin: germline.
Comment: Has not been previously published as pathogenic or benign to our knowledge; Nucleotide is not conserved across species and the substitution has no predicted effect on splicing

Illumina Laboratory Services, Illumina
Classification: Benign for Multiple endocrine neoplasia type 4. Last evaluated: 2018-01-13. Review status: criteria provided, single submitter. Criteria: ICSL Variant Classification Criteria 13 December 2019. Collection method: clinical testing. Allele origin: germline.
Comment: This variant was observed in the ICSL laboratory as part of a predisposition screen in an ostensibly healthy population. It had not been previously curated by ICSL or reported in the Human Gene Mutation Database (HGMD: prior to June 1st, 2018), and was therefore a candidate for classification through an automated scoring system. Utilizing variant allele frequency, disease prevalence and penetrance estimates, and inheritance mode, an automated score was calculated to assess if this variant is too frequent to cause the disease. Based on the score and internal cut-off values, a variant classified as benign is not then subjected to further curation. The score for this variant resulted in a classification of benign for this disease.

NM_004064.5(CDKN1B):c.-10C>T

Gene: CDKN1B (cyclin dependent kinase inhibitor 1B; plus strand). Cytogenetic location: 12p13.1.
Variant type: single nucleotide variant.
Coding change: c.-10C>T on transcript NM_004064.5 (MANE Select); 10 bases upstream of the start codon, C replaced by T.
Molecular consequence: 5 prime UTR variant.
Genome position (GRCh38, 1-based): chr12:12,717,830, C>T. VCF-style: chr12-12717830-C-T. GRCh37 (hg19) VCF-style: chr12-12870764-C-T.
Identifiers: ClinVar variation 307659 (VCV000307659.7), dbSNP rs374913823, ClinGen allele CA6457351.
Genomic context (GRCh38, chr12:12,717,830, plus strand): 5'-GCGCTTTGTTTTGTTCGGTTTTGTTTTTTTGAGAGTGCGAGAGAGGCGGTCGTGCAGACC[C>T]GGGAGAAAGATGTCAAACGTGCGAGTGTCTAACGGGAGCCCTAGCCTGGAGCGGATGGAC-3'